The following is an entry in ClinVar:

ClinVar aggregate classification (germline): Likely pathogenic (1 of 4 stars; one submission).

Conditions:
Dilated cardiomyopathy 1G (CMD1G). Identifiers: Orphanet 154, MedGen C1858763, MONDO:0011400, OMIM 604145.
Autosomal recessive limb-girdle muscular dystrophy type 2J (LGMDR10). Also called: Limb-girdle muscular dystrophy, type 2J; MUSCULAR DYSTROPHY, LIMB-GIRDLE, AUTOSOMAL RECESSIVE 10. Identifiers: Orphanet 140922, MedGen C1837342, MONDO:0012127, OMIM 608807.

Submission:

Labcorp Genetics (formerly Invitae), Labcorp
Classification: Likely pathogenic for Dilated cardiomyopathy 1G; Autosomal recessive limb-girdle muscular dystrophy type 2J. Last evaluated: 2024-09-11. Review status: criteria provided, single submitter. Criteria: Invitae Variant Classification Sherloc (09022015). Collection method: clinical testing. Allele origin: germline.
Comment: This sequence change affects an acceptor splice site in intron 124 of the TTN gene. It is expected to disrupt RNA splicing and likely results in a truncated or disrupted TTN protein. This variant is not present in population databases (gnomAD no frequency). This variant has not been reported in the literature in individuals affected with TTN-related conditions. Algorithms developed to predict the effect of sequence changes on RNA splicing suggest that this variant may disrupt the consensus splice site. This variant is located in the I band of TTN (PMID: 25589632). Truncating variants in this region have been reported in individuals affected with autosomal recessive centronuclear myopathy (PMID: 23975875, internal data). Truncating variants in this region have also been identified in individuals affected with autosomal dominant dilated cardiomyopathy and/or cardio-related conditions (PMID: 27869827, 32964742, internal data). In summary, the currently available evidence indicates that the variant is pathogenic, but additional data are needed to prove that conclusively. Therefore, this variant has been classified as Likely Pathogenic.

Literature cited by the submitters: PubMed 25589632; PubMed 23975875; PubMed 27869827; PubMed 32964742.

NM_001267550.2(TTN):c.32012-2A>T

Gene: TTN (titin; minus strand). Cytogenetic location: 2q31.2.
Variant type: single nucleotide variant.
Coding change: c.32012-2A>T on transcript NM_001267550.2 (MANE Select); the canonical splice acceptor site of the intron before coding-DNA position 32012, A replaced by T.
Molecular consequence: splice acceptor variant. On other transcripts: intron variant (3).
Genome position (GRCh38, 1-based): chr2:178,689,138, T>A on the plus strand (A>T on the coding strand, the complement: TTN is on the minus strand). VCF-style: chr2-178689138-T-A. GRCh37 (hg19) VCF-style: chr2-179553865-T-A.
Other names: c.13283-46821A>T (NM_003319.4); c.13859-46821A>T (NM_133437.4); c.13658-46821A>T (NM_133432.3); c.28280-2A>T (NM_133378.4); c.31061-2A>T (NM_001256850.1).
Identifiers: ClinVar variation 3758609 (VCV003758609.2).